The following is an entry in ClinVar:

ClinVar aggregate classification (germline): Conflicting classifications of pathogenicity. Review status: criteria provided, conflicting classifications (1 of 4 stars). 4 submissions from 4 submitters: Uncertain significance (3); Benign (1). Last evaluated 2025-12-18.

Conditions:
Hereditary cancer-predisposing syndrome. Also called: Neoplastic Syndromes, Hereditary; Hereditary neoplastic syndrome; Tumor predisposition; Hereditary Cancer Syndrome. Identifiers: Orphanet 140162, MedGen C0027672, MeSH D009386, MONDO:0015356.
Isolated focal cortical dysplasia type II (FCORD2). Also called: Focal cortical dysplasia type II; CORTICAL DYSPLASIA OF TAYLOR. Identifiers: Orphanet 268994, MedGen C1846385, MONDO:0011818, OMIM 607341, HP:0032051.
Tuberous sclerosis 2 (TSC2). Identifiers: Orphanet 805, MedGen C1860707, MONDO:0013199, OMIM 613254.
Lymphangiomyomatosis (LAM). Also called: Lymphangioleiomyomatosis, somatic; Lymphangioleiomyomatosis. Identifiers: Orphanet 538, MedGen C0751674, MONDO:0011705, OMIM 606690.

Allele frequency attached by ClinVar (database versions not stated): gnomAD exomes 0.00001; TOPMed 0.00001.
gnomAD v4.1: 4 of 1,613,024 alleles (0.00025%); highest among the groups gnomAD compares: Admixed American, 0.005%; no homozygotes.

Submissions (4):

Ambry Genetics
Classification: Uncertain significance for Hereditary cancer-predisposing syndrome. Last evaluated: 2025-12-18. Review status: criteria provided, single submitter. Criteria: Ambry Variant Classification Scheme 2023. Collection method: clinical testing. Allele origin: germline.
Comment: The p.V806A variant (also known as c.2417T>C), located in coding exon 21 of the TSC2 gene, results from a T to C substitution at nucleotide position 2417. The valine at codon 806 is replaced by alanine, an amino acid with similar properties. This amino acid position is conserved. In addition, the in silico prediction for this alteration is inconclusive. Since supporting evidence is limited at this time, the clinical significance of this alteration remains unclear.

Clinical Genomics Laboratory, Washington University in St. Louis
Classification: Uncertain significance for Tuberous sclerosis 2. Last evaluated: 2025-01-21. Review status: criteria provided, single submitter. Criteria: ACMG Guidelines, 2015. Collection method: clinical testing. Allele origin: germline.
Comment: A TSC2 c.2417T>C (p.Val806Ala) variant was identified at a near heterozygous allelic fraction of 50.6%, a frequency which may be consistent with it being of germline origin. This variant, to our knowledge, has not been reported in the medical literature. This variant has been reported in the ClinVar database as a germline variant of uncertain significance by one submitter and a benign variant by one submitter (Variation ID: 655026). This variant is only observed on 4/1,613,024 alleles in the general population (gnomAD v4.1.0), indicating it is not a common variant. Computational predictors indicate that the variant is damaging, evidence that correlates with impact to TSC2 function. Due to limited information, and based on ACMG/AMP guidelines for variant interpretation (Richards S et al., PMID: 25741868), the clinical significance of the TSC2 c.2417T>C (p.Val806Ala) variant is uncertain at this time.

Labcorp Genetics (formerly Invitae), Labcorp
Classification: Benign for Tuberous sclerosis 2. Last evaluated: 2025-01-06. Review status: criteria provided, single submitter. Criteria: Invitae Variant Classification Sherloc (09022015). Collection method: clinical testing. Allele origin: germline.

Fulgent Genetics
Classification: Uncertain significance for Lymphangiomyomatosis; Isolated focal cortical dysplasia type II; Tuberous sclerosis 2. Last evaluated: 2024-04-22. Review status: criteria provided, single submitter. Criteria: ACMG Guidelines, 2015. Collection method: clinical testing. Allele origin: germline.

NM_000548.5(TSC2):c.2417T>C (p.Val806Ala)

Gene: TSC2 (TSC complex subunit 2; plus strand). Cytogenetic location: 16p13.3.
Variant type: single nucleotide variant.
Coding change: c.2417T>C on transcript NM_000548.5 (MANE Select); coding-DNA position 2417, T replaced by C.
Protein change: p.Val806Ala; replaces valine 806 with alanine.
Molecular consequence: missense variant.
Genome position (GRCh38, 1-based): chr16:2,074,261, T>C. VCF-style: chr16-2074261-T-C. GRCh37 (hg19) VCF-style: chr16-2124262-T-C.
Other names: c.2417T>C, p.Val806Ala (NM_001077183.3, NM_001114382.3, NM_001363528.2 and 3 more transcripts); c.2306T>C, p.Val769Ala (NM_001318827.2); c.2270T>C, p.Val757Ala (NM_001318829.2); c.1817T>C, p.Val606Ala (NM_001318831.2); c.2450T>C, p.Val817Ala (NM_001318832.2); short protein forms V606A, V806A, V817A, V757A, V769A.
Identifiers: ClinVar variation 655026 (VCV000655026.14), dbSNP rs1285249923, ClinGen allele CA394277221.